The following is an entry in ClinVar:

ClinVar aggregate classification (germline): Conflicting classifications of pathogenicity. Review status: criteria provided, conflicting classifications (1 of 4 stars). 5 submissions from 5 submitters: Uncertain significance (4); Likely benign (1). Last evaluated 2023-10-14.

Conditions:
Hereditary breast ovarian cancer syndrome. Also called: Hereditary breast and ovarian cancer syndrome (HBOC); BRCA1- and BRCA2-Associated Hereditary Breast and Ovarian Cancer; Hereditary breast and/or ovarian cancer syndrome; Hereditary breast and ovarian cancer syndrome; Hereditary breast and ovarian cancer; Breast and ovarian cancer. Identifiers: Orphanet 145, MedGen C0677776, MeSH D061325, MONDO:0003582. Disease mechanism: loss of function.
Hereditary cancer-predisposing syndrome. Also called: Neoplastic Syndromes, Hereditary; Hereditary neoplastic syndrome; Tumor predisposition; Hereditary Cancer Syndrome. Identifiers: Orphanet 140162, MedGen C0027672, MeSH D009386, MONDO:0015356.
Breast-ovarian cancer, familial, susceptibility to, 1 (BROVCA1). Also called: BRCA1 Hereditary Breast and Ovarian Cancer; OVARIAN CANCER, SUSCEPTIBILITY TO. Identifiers: Orphanet 145, MedGen C2676676, MONDO:0011450, OMIM 604370. Disease mechanism: loss of function.

Submissions (5):

Labcorp Genetics (formerly Invitae), Labcorp
Classification: Uncertain significance for Hereditary breast ovarian cancer syndrome. Last evaluated: 2023-10-14. Review status: criteria provided, single submitter. Criteria: Invitae Variant Classification Sherloc (09022015). Collection method: clinical testing. Allele origin: germline.
Comment: This sequence change replaces methionine, which is neutral and non-polar, with valine, which is neutral and non-polar, at codon 847 of the BRCA1 protein (p.Met847Val). This variant is not present in population databases (gnomAD no frequency). This variant has not been reported in the literature in individuals affected with BRCA1-related conditions. ClinVar contains an entry for this variant (Variation ID: 441436). Advanced modeling of protein sequence and biophysical properties (such as structural, functional, and spatial information, amino acid conservation, physicochemical variation, residue mobility, and thermodynamic stability) performed at Invitae indicates that this missense variant is not expected to disrupt BRCA1 protein function. In summary, the available evidence is currently insufficient to determine the role of this variant in disease. Therefore, it has been classified as a Variant of Uncertain Significance.

University of Washington Department of Laboratory Medicine, University of Washington
Classification: Likely benign for Hereditary cancer-predisposing syndrome. Last evaluated: 2023-03-23. Review status: criteria provided, single submitter. Criteria: Dines et al. (Genet Med. 2020). Collection method: curation. Allele origin: germline.
Comment: Missense variant in a coldspot region where missense variants are very unlikely to be pathogenic (PMID:31911673).

BRCA1 coldspot (exon 11 using historical exon numbering). Reclassification based on statistical prior probability

All of Us Research Program, National Institutes of Health
Classification: Uncertain significance for Breast-ovarian cancer, familial, susceptibility to, 1. Last evaluated: 2023-02-24. Review status: criteria provided, single submitter. Criteria: ACMG Guidelines, 2015. Collection method: clinical testing. Allele origin: germline. Inheritance: Autosomal dominant inheritance. Observed: 1 variant allele, 1 heterozygote.
Comment: This missense variant replaces methionine with valine at codon 847 of the BRCA1 protein. Computational prediction suggests that this variant may not impact protein structure and function (internally defined REVEL score threshold <= 0.5, PMID: 27666373). To our knowledge, functional studies have not been reported for this variant. This variant has been detected in a breast cancer case-control meta-analysis in 0/60466 cases and 1/53461 unaffected individuals (PMID: 33471991; Leiden Open Variation Database DB-ID BRCA1_006408). This variant has not been identified in the general population by the Genome Aggregation Database (gnomAD). The available evidence is insufficient to determine the role of this variant in disease conclusively. Therefore, this variant is classified as a Variant of Uncertain Significance.

This study involves interpretation of variants in research participants for the purpose of population health screening. Participant phenotype was not available at the time of variant classification. Additional details can be found in publication PMID: 35346344, PMCID: PMC8962531

Color Diagnostics, LLC DBA Color Health
Classification: Uncertain significance for Hereditary cancer-predisposing syndrome. Last evaluated: 2022-12-22. Review status: criteria provided, single submitter. Criteria: ACMG Guidelines, 2015. Collection method: clinical testing. Allele origin: germline.
Comment: This missense variant replaces methionine with valine at codon 847 of the BRCA1 protein. Computational prediction suggests that this variant may not impact protein structure and function (internally defined REVEL score threshold <= 0.5, PMID: 27666373). To our knowledge, functional studies have not been reported for this variant. This variant has been detected in a breast cancer case-control meta-analysis in 0/60466 cases and 1/53461 unaffected individuals (PMID: 33471991; Leiden Open Variation Database DB-ID BRCA1_006408). This variant has not been identified in the general population by the Genome Aggregation Database (gnomAD). The available evidence is insufficient to determine the role of this variant in disease conclusively. Therefore, this variant is classified as a Variant of Uncertain Significance.

Ambry Genetics
Classification: Uncertain significance for Hereditary cancer-predisposing syndrome. Last evaluated: 2015-12-04. Review status: criteria provided, single submitter. Criteria: Ambry Variant Classification Scheme 2023. Collection method: clinical testing. Allele origin: germline.
Comment: The p.M847V variant (also known as c.2539A>G), located in coding exon 9 of the BRCA1 gene, results from an A to G substitution at nucleotide position 2539. The methionine at codon 847 is replaced by valine, an amino acid with highly similar properties. This variant was not reported in population based cohorts in the following databases: Database of Single Nucleotide Polymorphisms (dbSNP), NHLBI Exome Sequencing Project (ESP), and 1000 Genomes Project. In the ESP, this variant was not observed in 6503 samples (13006 alleles) with coverage at this position. To date, this alteration has been detected with an allele frequency of approximately 0.0004% (greater than 225000 alleles tested) in our clinical cohort. This amino acid position is not well conserved in available vertebrate species. In addition, the in silico prediction for this alteration is inconclusive. Since supporting evidence is limited at this time, the clinical significance of p.M847V remains unclear.

Literature cited by the submitters: PubMed 33471991 (cited by All of Us Research Program, National Institutes of Health and Color Diagnostics, LLC DBA Color Health).

NM_007294.4(BRCA1):c.2539A>G (p.Met847Val)

Gene: BRCA1 (BRCA1 DNA repair associated; minus strand). Cytogenetic location: 17q21.31.
Variant type: single nucleotide variant.
Coding change: c.2539A>G on transcript NM_007294.4 (MANE Select); coding-DNA position 2539, A replaced by G.
Protein change: p.Met847Val; replaces methionine 847 with valine.
Molecular consequence: missense variant. On other transcripts: intron variant (137).
Genome position (GRCh38, 1-based): chr17:43,092,992, T>C on the plus strand (A>G on the coding strand, the complement: BRCA1 is on the minus strand). VCF-style: chr17-43092992-T-C. GRCh37 (hg19) VCF-style: chr17-41245009-T-C.
Other names: c.709+1752A>G (NM_001408414.1, NM_001408411.1, NM_001408415.1 and 2 more transcripts); c.577+1752A>G (NM_001408514.1, NM_001408485.1, NM_001408483.1 and 9 more transcripts); c.661+1752A>G (NM_001408447.1, NM_001408433.1, NM_001408446.1 and 6 more transcripts); c.784+1752A>G (NM_001408400.1, NM_001408392.1, NM_001407986.1 and 13 more transcripts); c.664+1752A>G (NM_001408441.1, NM_001408437.1, NM_001408429.1 and 12 more transcripts); c.787+1752A>G (NM_001407979.1, NM_001407977.1, NM_001407982.1 and 17 more transcripts); c.646+1752A>G (NM_001408410.1, NM_001408458.1, NM_001408469.1 and 11 more transcripts); c.2326A>G, p.Met776Val (NM_001407571.1, NM_001407899.1, NM_001407853.1 and 9 more transcripts); and 41 more; short protein forms M847V, M800V, M758V, M759V, M820V, M844V, M846V, M736V.
Identifiers: ClinVar variation 441436 (VCV000441436.17), dbSNP rs1555589446, ClinGen allele CA10596920.
Genomic context (GRCh38, chr17:43,092,992, plus strand): 5'-GGCGCTTTGAAACCTTGAATGTATTCTGCAAATACTGAGCATCAAGTTCACTTTCTTCCA[T>C]TTCTATGCTTGTTTCCCGACTGTGGTTAACTTCATGTCCCAATGGATACTTAAAGCCTTC-3'
Protein context (NP_009225.1, residues 837-857): VNHSRETSIE[Met847Val]EESELDAQYL